The following is an entry in ClinVar:

ClinVar aggregate classification (germline): Uncertain significance. Review status: criteria provided, multiple submitters, no conflicts (2 of 4 stars). 2 submissions from 2 submitters: Uncertain significance (2). Last evaluated 2024-01-02.

Conditions:
Hereditary sensory and autonomic neuropathy type 6. Also called: HSAN VI; Neuropathy, hereditary sensory and autonomic, type VI. Identifiers: Orphanet 314381, MedGen C3539003, MONDO:0013839, OMIM 614653.
Epidermolysis bullosa simplex 3, localized or generalized intermediate, with BP230 deficiency (EBS3). Also called: Epidermolysis bullosa simplex due to BP230 deficiency; Epidermolysis bullosa simplex, autosomal recessive 2. Identifiers: Orphanet 412181, MedGen C3809470, MONDO:0014180, OMIM 615425.
Inborn genetic diseases. Identifiers: MedGen C0950123, MeSH D030342.

Allele frequency attached by ClinVar (database versions not stated): gnomAD 0.00001; gnomAD exomes 0.00001; ExAC 0.00003; TOPMed 0.00005.
gnomAD v4.1: 22 of 1,604,278 alleles (0.0014%); highest among the groups gnomAD compares: East Asian, 0.018%; no homozygotes.

Submissions (2):

Labcorp Genetics (formerly Invitae), Labcorp
Classification: Uncertain significance for Epidermolysis bullosa simplex 3, localized or generalized intermediate, with BP230 deficiency; Hereditary sensory and autonomic neuropathy type 6. Last evaluated: 2024-01-02. Review status: criteria provided, single submitter. Criteria: Invitae Variant Classification Sherloc (09022015). Collection method: clinical testing. Allele origin: germline.
Comment: The DST gene has multiple clinically relevant transcripts. This variant occurs in alternate transcript NM_015548.4, and corresponds to NM_001723.5:c.*36616G>A in the primary transcript. This sequence change replaces valine, which is neutral and non-polar, with isoleucine, which is neutral and non-polar, at codon 1691 of the DST protein (p.Val1691Ile). This variant is present in population databases (rs755123053, gnomAD 0.006%). This variant has not been reported in the literature in individuals affected with DST-related conditions. Experimental studies and prediction algorithms are not available or were not evaluated, and the functional significance of this variant is currently unknown. In summary, the available evidence is currently insufficient to determine the role of this variant in disease. Therefore, it has been classified as a Variant of Uncertain Significance.

Ambry Genetics
Classification: Uncertain significance for Inborn genetic diseases. Last evaluated: 2020-10-27. Review status: criteria provided, single submitter. Criteria: Ambry Variant Classification Scheme 2023. Collection method: clinical testing. Allele origin: germline.
Comment: The p.V2195I variant (also known as c.6583G>A), located in coding exon 44 of the DST gene, results from a G to A substitution at nucleotide position 6583. The valine at codon 2195 is replaced by isoleucine, an amino acid with highly similar properties. This amino acid position is highly conserved in available vertebrate species. In addition, this alteration is predicted to be tolerated by in silico analysis. Since supporting evidence is limited at this time, the clinical significance of this alteration remains unclear.

NM_001374736.1(DST):c.12940G>A (p.Val4314Ile)

Gene: DST (dystonin; minus strand). Cytogenetic location: 6p12.1.
Variant type: single nucleotide variant.
Coding change: c.12940G>A on transcript NM_001374736.1 (MANE Select); coding-DNA position 12940, G replaced by A.
Protein change: p.Val4314Ile; replaces valine 4314 with isoleucine.
Molecular consequence: missense variant.
Genome position (GRCh38, 1-based): chr6:56,578,901, C>T on the plus strand (G>A on the coding strand, the complement: DST is on the minus strand). VCF-style: chr6-56578901-C-T. GRCh37 (hg19) VCF-style: chr6-56443699-C-T.
Other names: c.6583G>A, p.Val2195Ile (NM_001144769.5); c.6169G>A, p.Val2057Ile (NM_001144770.2); c.12940G>A, p.Val4314Ile (NM_001374722.1); c.12307G>A, p.Val4103Ile (NM_001374729.1); c.6049G>A, p.Val2017Ile (NM_001374730.1, NM_001386100.1, NM_183380.4); c.12967G>A, p.Val4323Ile (NM_001374734.1); c.5071G>A, p.Val1691Ile (NM_015548.5); short protein forms V1691I, V2017I, V2057I, V2195I, V4103I, V4314I, V4323I.
Identifiers: ClinVar variation 1018020 (VCV001018020.10), dbSNP rs755123053, ClinGen allele CA3868328.